The following is an entry in ClinVar:

ClinVar aggregate classification (germline): Uncertain significance (1 of 4 stars; one submission).

Allele frequency attached by ClinVar (database versions not stated): gnomAD 0.00007; ESP Exome Variant Server 0.00008; 1000 Genomes Project 0.00020; 1000 Genomes Project 30x 0.00031.
gnomAD v4.1: 23 of 1,613,718 alleles (0.0014%); highest among the groups gnomAD compares: African/African-American, 0.027%; no homozygotes.

Submission:

Labcorp Genetics (formerly Invitae), Labcorp
Classification: Uncertain significance. Last evaluated: 2021-04-02. Review status: criteria provided, single submitter. Criteria: Invitae Variant Classification Sherloc (09022015). Collection method: clinical testing. Allele origin: germline.
Comment: Algorithms developed to predict the effect of missense changes on protein structure and function (SIFT, PolyPhen-2, Align-GVGD) all suggest that this variant is likely to be disruptive, but these predictions have not been confirmed by published functional studies and their clinical significance is uncertain. In summary, the available evidence is currently insufficient to determine the role of this variant in disease. Therefore, it has been classified as a Variant of Uncertain Significance. This variant has not been reported in the literature in individuals with BLK-related conditions. This variant is present in population databases (rs369654647, ExAC 0.02%). This sequence change replaces glycine with arginine at codon 82 of the BLK protein (p.Gly82Arg). The glycine residue is highly conserved and there is a moderate physicochemical difference between glycine and arginine.

NM_001715.3(BLK):c.244G>C (p.Gly82Arg)

Gene: BLK (BLK proto-oncogene, Src family tyrosine kinase). Cytogenetic location: 8p23.1.
Variant type: single nucleotide variant.
Coding change: c.244G>C on transcript NM_001715.3 (MANE Select); coding-DNA position 244, G replaced by C.
Protein change: p.Gly82Arg; replaces glycine 82 with arginine.
Molecular consequence: missense variant.
Genome position (GRCh38, 1-based): chr8:11,548,100, G>C. VCF-style: chr8-11548100-G-C. GRCh37 (hg19) VCF-style: chr8-11405609-G-C.
Other names: c.31G>C, p.Gly11Arg (NM_001330465.2); short protein forms G82R, G11R.
Identifiers: ClinVar variation 1435743 (VCV001435743.8), dbSNP rs369654647, ClinGen allele CA4629769.